The following is an entry in ClinVar:

NM_001330260.2(SCN8A):c.4794_4795+20dup

Gene: SCN8A (sodium voltage-gated channel alpha subunit 8; plus strand). Cytogenetic location: 12q13.13.
Variant type: Duplication.
Coding change: c.4794_4795+20dup on transcript NM_001330260.2 (MANE Select); coding-DNA position 4794 through 20 bases into the intron after coding-DNA position 4795, 22 bases duplicated (GGGTGAGTGGGGTTGGGGAAGT).
Molecular consequence: splice donor variant.
Genome position (GRCh38, 1-based): chr12:51,794,640-51,794,661, GGGTGAGTGGGGTTGGGGAAGT duplicated; duplicating any 22 consecutive bases within chr12:51,794,638-51,794,661 gives the same sequence; the c. name uses the placement nearest the transcript's 3' end. VCF-style (leftmost placement, unchanged base first): chr12-51794637-T-TGTGGGTGAGTGGGGTTGGGGAA. GRCh37 (hg19) VCF-style: chr12-52188421-T-TGTGGGTGAGTGGGGTTGGGGAA.
Other names: c.4794_4795+20dup (NM_014191.4); c.4671_4672+20dup (NM_001177984.3, NM_001369788.1).
Identifiers: ClinVar variation 1519904 (VCV001519904.9), dbSNP rs2138919676, ClinGen allele CA2573148735.

ClinVar aggregate classification (germline): Uncertain significance (1 of 4 stars; one submission).

Conditions:
Early-infantile DEE. Also called: Ohtahara syndrome; Early infantile epileptic encephalopathy; Early infantile epileptic encephalopathy with suppression bursts. Identifiers: Orphanet 1934, MedGen C0393706, MONDO:0800491.

Submission:

Labcorp Genetics (formerly Invitae), Labcorp
Classification: Uncertain significance for Early-infantile DEE. Last evaluated: 2023-08-30. Review status: criteria provided, single submitter. Criteria: Invitae Variant Classification Sherloc (09022015). Collection method: clinical testing. Allele origin: germline.
Comment: ClinVar contains an entry for this variant (Variation ID: 1519904). This variant has been observed in individual(s) with clinical features of SCN8A-related conditions (Invitae). This variant is not present in population databases (gnomAD no frequency). In summary, the available evidence is currently insufficient to determine the role of this variant in disease. Therefore, it has been classified as a Variant of Uncertain Significance. This sequence change falls in intron 26 of the SCN8A gene. It does not directly change the encoded amino acid sequence of the SCN8A protein.